The following is an entry in ClinVar:

NM_004364.5(CEBPA):c.97T>C (p.Phe33Leu)

Gene: CEBPA (CCAAT enhancer binding protein alpha; minus strand). Cytogenetic location: 19q13.11.
Variant type: single nucleotide variant.
Coding change: c.97T>C on transcript NM_004364.5 (MANE Select); coding-DNA position 97, T replaced by C.
Protein change: p.Phe33Leu; replaces phenylalanine 33 with leucine.
Molecular consequence: missense variant. On other transcripts: 5 prime UTR variant (1).
Genome position (GRCh38, 1-based): chr19:33,302,318, A>G on the plus strand (T>C on the coding strand, the complement: CEBPA is on the minus strand). VCF-style: chr19-33302318-A-G. GRCh37 (hg19) VCF-style: chr19-33793224-A-G.
Other names: c.-261T>C (NM_001285829.2); c.202T>C, p.Phe68Leu (NM_001287424.2); c.55T>C, p.Phe19Leu (NM_001287435.2); short protein forms F33L, F19L, F68L.
Identifiers: ClinVar variation 3999980 (VCV003999980.1).

ClinVar aggregate classification (germline): Uncertain significance (1 of 4 stars; one submission).

Conditions:
Inborn genetic diseases. Identifiers: MedGen C0950123, MeSH D030342.

Submission:

Ambry Genetics
Classification: Uncertain significance for Inborn genetic diseases. Last evaluated: 2025-03-25. Review status: criteria provided, single submitter. Criteria: Ambry Variant Classification Scheme 2023. Collection method: clinical testing. Allele origin: germline.
Comment: The p.F33L variant (also known as c.97T>C), located in coding exon 1 of the CEBPA gene, results from a T to C substitution at nucleotide position 97. The phenylalanine at codon 33 is replaced by leucine, an amino acid with highly similar properties. This amino acid position is conserved. In addition, this alteration is predicted to be tolerated by in silico analysis. Based on the available evidence, the clinical significance of this variant remains unclear.